The following is an entry in ClinVar:

ClinVar aggregate classification (germline): Benign. Review status: criteria provided, single submitter (1 of 4 stars). 2 submissions from 2 submitters: Benign (1). 1 of the submissions does not count toward it. Last evaluated 2018-07-31.

Conditions:
AMELX-related disorder. Also called: AMELX-related condition.

Allele frequency attached by ClinVar (database versions not stated): TOPMed 0.00008; gnomAD exomes 0.00010 and 0.00023; ExAC 0.00020; 1000 Genomes Project 30x 0.00021.
gnomAD v4.1: 42 of 1,208,800 alleles (0.0035%); highest among the groups gnomAD compares: Admixed American, 0.09%; no homozygotes.

Submissions (2):

Labcorp Genetics (formerly Invitae), Labcorp
Classification: Benign. Last evaluated: 2018-07-31. Review status: criteria provided, single submitter. Criteria: Invitae Variant Classification Sherloc (09022015). Collection method: clinical testing. Allele origin: germline.

PreventionGenetics, part of Exact Sciences
Classification: Likely benign for AMELX-related condition. Last evaluated: 2020-02-10. Review status: no assertion criteria provided. Collection method: clinical testing. Allele origin: germline. Not counted in ClinVar's aggregate classification.
Comment: This variant is classified as likely benign based on ACMG/AMP sequence variant interpretation guidelines (Richards et al. 2015 PMID: 25741868, with internal and published modifications).

NM_001142.2(AMELX):c.570G>C (p.Val190=)

Genes: AMELX (amelogenin X-linked; plus strand), ARHGAP6 (Rho GTPase activating protein 6; minus strand). Cytogenetic location: Xp22.2.
Variant type: single nucleotide variant.
Coding change: c.570G>C on transcript NM_001142.2 (MANE Select); coding-DNA position 570, G replaced by C.
Protein change: p.Val190=; no amino-acid change (valine 190 retained).
Molecular consequence: synonymous variant. On other transcripts: intron variant (3).
Genome position (GRCh38, 1-based): chrX:11,298,973, G>C. VCF-style: chrX-11298973-G-C. GRCh37 (hg19) VCF-style: chrX-11317093-G-C.
Other names: c.612G>C, p.Val204= (NM_182680.1); c.522G>C, p.Val174= (NM_182681.1); c.589-44266C>G (NM_013427.3, NM_006125.3); c.49-44266C>G (NM_001287242.2).
Identifiers: ClinVar variation 757487 (VCV000757487.5), dbSNP rs779785692, ClinGen allele CA10348555.